The following is an entry in ClinVar:

NM_001009944.3(PKD1):c.9271A>G (p.Met3091Val)

Gene: PKD1 (polycystin 1, transient receptor potential channel interacting; minus strand). Cytogenetic location: 16p13.3.
Variant type: single nucleotide variant.
Coding change: c.9271A>G on transcript NM_001009944.3 (MANE Select); coding-DNA position 9271, A replaced by G.
Protein change: p.Met3091Val; replaces methionine 3091 with valine.
Molecular consequence: missense variant.
Genome position (GRCh38, 1-based): chr16:2,102,187, T>C on the plus strand (A>G on the coding strand, the complement: PKD1 is on the minus strand). VCF-style: chr16-2102187-T-C. GRCh37 (hg19) VCF-style: chr16-2152188-T-C.
Other names: c.9271A>G, p.Met3091Val (NM_000296.4); short protein forms M3091V.
Identifiers: ClinVar variation 3213532 (VCV003213532.3), dbSNP rs762312189, ClinGen allele CA7830150.

ClinVar aggregate classification (germline): Conflicting classifications of pathogenicity. Review status: criteria provided, conflicting classifications (1 of 4 stars). 3 submissions from 3 submitters: Uncertain significance (2); Likely benign (1). Last evaluated 2026-07-22.

Conditions:
Inborn genetic diseases. Identifiers: MedGen C0950123, MeSH D030342.
PKD1-related disorder. Also called: PKD1-related condition.

Allele frequency attached by ClinVar (database versions not stated): gnomAD exomes 0.00002; TOPMed 0.00004; gnomAD 0.00010; ExAC 0.00022.
gnomAD v4.1: 43 of 1,523,542 alleles (0.0028%); highest among the groups gnomAD compares: Admixed American, 0.015%; 1 homozygote.

Submissions (3):

PreventionGenetics, part of Exact Sciences
Classification: Uncertain significance for PKD1-related condition. Last evaluated: 2026-07-22. Review status: criteria provided, single submitter. Criteria: ACMG Guidelines, 2015. Collection method: clinical testing. Allele origin: germline.
Comment: The PKD1 c.9271A>G variant is predicted to result in the amino acid substitution p.Met3091Val. To our knowledge, this variant has not been reported in the literature. This variant is reported in 0.0056% of alleles in individuals of European (Non-Finnish) descent in gnomAD v2.1.1 and there is a homozygote of this variant in this database. The p.Met3091 residue is weakly conserved. The REVEL (rare exome variant ensemble learner) program predicts this variant is benign at a "strong" level (Ioannidis et al. 2016. PubMed ID: 27666373; Bergquist et al. 2024. PubMed ID: 39345488). Although we suspect that this variant could be benign, at this time, the clinical significance of this variant is uncertain due to the absence of conclusive functional and genetic evidence.

Blueprint Genetics
Classification: Likely benign. Last evaluated: 2024-10-02. Review status: criteria provided, single submitter. Criteria: ACMG Guidelines, 2015. Collection method: clinical testing. Allele origin: germline.

Ambry Genetics
Classification: Uncertain significance for Inborn genetic diseases. Last evaluated: 2023-12-07. Review status: criteria provided, single submitter. Criteria: Ambry Variant Classification Scheme 2023. Collection method: clinical testing. Allele origin: germline.